The following is an entry in ClinVar:

ClinVar aggregate classification (germline): Pathogenic. Review status: criteria provided, multiple submitters, no conflicts (2 of 4 stars). 2 submissions from 2 submitters: Pathogenic (2). Last evaluated 2022-05-13.

Conditions:
RYR1-related disorder. Also called: RYR1-related condition; RYR1-related disorders. Identifiers: MedGen CN239331.

Submissions (2):

GeneDx
Classification: Pathogenic. Last evaluated: 2022-05-13. Review status: criteria provided, single submitter. Criteria: GeneDx Variant Classification Process June 2021. Collection method: clinical testing. Allele origin: germline. Affected: yes.
Comment: Not observed at significant frequency in large population cohorts (gnomAD); In silico analysis supports that this missense variant has a deleterious effect on protein structure/function; Has not been previously published as pathogenic or benign to our knowledge; This variant is associated with the following publications: (PMID: 20681998)

Labcorp Genetics (formerly Invitae), Labcorp
Classification: Pathogenic for RYR1-related disorder. Last evaluated: 2022-04-05. Review status: criteria provided, single submitter. Criteria: Invitae Variant Classification Sherloc (09022015). Collection method: clinical testing. Allele origin: germline.
Comment: This variant is not present in population databases (gnomAD no frequency). This sequence change replaces glutamic acid, which is acidic and polar, with lysine, which is basic and polar, at codon 4635 of the RYR1 protein (p.Glu4635Lys). This missense change has been observed in individual(s) with congenital hypotonic weakness (Invitae). In at least one individual the variant was observed to be de novo. ClinVar contains an entry for this variant (Variation ID: 478192). Advanced modeling of protein sequence and biophysical properties (such as structural, functional, and spatial information, amino acid conservation, physicochemical variation, residue mobility, and thermodynamic stability) performed at Invitae indicates that this missense variant is expected to disrupt RYR1 protein function. For these reasons, this variant has been classified as Pathogenic.

NM_000540.3(RYR1):c.13903G>A (p.Glu4635Lys)

Gene: RYR1 (ryanodine receptor 1; plus strand). Cytogenetic location: 19q13.2.
Variant type: single nucleotide variant.
Coding change: c.13903G>A on transcript NM_000540.3 (MANE Select); coding-DNA position 13903, G replaced by A.
Protein change: p.Glu4635Lys; replaces glutamic acid 4635 with lysine.
Molecular consequence: missense variant.
Genome position (GRCh38, 1-based): chr19:38,572,175, G>A. VCF-style: chr19-38572175-G-A. GRCh37 (hg19) VCF-style: chr19-39062815-G-A.
Other names: c.13888G>A, p.Glu4630Lys (NM_001042723.2); short protein forms E4635K, E4630K.
Identifiers: ClinVar variation 478192 (VCV000478192.14), dbSNP rs1555801879, ClinGen allele CA405680955.